The following is an entry in ClinVar:

NM_014717.3(ZNF536):c.1617_1627del (p.Lys540fs)

Gene: ZNF536 (zinc finger protein 536; plus strand). Cytogenetic location: 19q12.
Variant type: Deletion.
Coding change: c.1617_1627del on transcript NM_014717.3 (MANE Select); coding-DNA positions 1617 to 1627, 11 bases deleted (TAAAGAGCATC).
Protein change: p.Lys540fs; shifts the reading frame from lysine 540.
Molecular consequence: frameshift variant.
Genome position (GRCh38, 1-based): chr19:30,445,179-30,445,189, TAAAGAGCATC deleted; deleting any 11 consecutive bases within chr19:30,445,177-30,445,189 gives the same sequence; the c. name uses the placement nearest the transcript's 3' end. VCF-style (leftmost placement, unchanged base first): chr19-30445176-GTCTAAAGAGCA-G. GRCh37 (hg19) VCF-style: chr19-30936083-GTCTAAAGAGCA-G.
Other names: c.1617_1627del, p.Lys540fs (NM_001352260.2, NM_001376110.1, NM_001376111.1); short protein forms K540fs.
Identifiers: ClinVar variation 930713 (VCV000930713.2), dbSNP rs2052261688, ClinGen allele CA1139666384.

ClinVar aggregate classification (germline): Uncertain significance (1 of 4 stars; one submission).

Submission:

Centre for Mendelian Genomics, University Medical Centre Ljubljana
Classification: Uncertain significance. Last evaluated: 2020-03-25. Review status: criteria provided, single submitter. Criteria: ACMG Guidelines, 2015. Collection method: clinical testing. Allele origin: unknown. Affected: yes.
Comment: This variant was classified as: Uncertain significance. The available evidence on this variant's pathogenicity is insufficient or conflicting. The following ACMG criteria were applied in classifying this variant: PM2.